The following is an entry in ClinVar:

NM_001039958.2(MESP2):c.125C>A (p.Ser42Ter)

Gene: MESP2 (mesoderm posterior bHLH transcription factor 2; plus strand). Cytogenetic location: 15q26.1.
Variant type: single nucleotide variant.
Coding change: c.125C>A on transcript NM_001039958.2 (MANE Select); coding-DNA position 125, C replaced by A.
Protein change: p.Ser42Ter; replaces serine 42 with a stop codon.
Molecular consequence: nonsense.
Genome position (GRCh38, 1-based): chr15:89,776,482, C>A. VCF-style: chr15-89776482-C-A. GRCh37 (hg19) VCF-style: chr15-90319713-C-A.
Other names: c.125C>A (NM_001039958.1); short protein forms S42*.
Identifiers: ClinVar variation 3020752 (VCV003020752.5), dbSNP rs1968362507, ClinGen allele CA393769124.

ClinVar aggregate classification (germline): Pathogenic/Likely pathogenic. Review status: criteria provided, multiple submitters, no conflicts (2 of 4 stars). 3 submissions from 3 submitters: Pathogenic (2); Likely pathogenic (1). Last evaluated 2026-04-09.

Conditions:
Spondylocostal dysostosis 2, autosomal recessive (SCDO2). Also called: MESP2-Related Spondylocostal Dysostosis, Autosomal Recessive; Spondylocostal dysostosis type 2. Identifiers: Orphanet 2311, MedGen C1837549, MONDO:0012097, OMIM 608681.

Submissions (3):

Myriad Genetics, Inc.
Classification: Pathogenic for Spondylocostal dysostosis 2, autosomal recessive. Last evaluated: 2026-04-09. Review status: criteria provided, single submitter. Criteria: Myriad Autosomal Dominant, Autosomal Recessive and X-Linked Classification Criteria (2023). Collection method: clinical testing. Allele origin: unknown.
Comment: NM_001039958.1(MESP2):c.125C>A(S42*) is a nonsense variant classified as pathogenic in the context of spondylothoracic dysostosis. S42* has not been observed in cases with relevant disease. Relevant functional assessments of this variant are not available in the literature. S42* has not been observed in referenced population frequency databases. In summary, NM_001039958.1(MESP2):c.125C>A(S42*) is a nonsense variant in a gene where loss of function is a known mechanism of disease and is predicted to disrupt protein function. Please note: this variant was assessed in the context of healthy population screening.

Natera, Inc.
Classification: Likely pathogenic for Spondylocostal dysostosis type 2. Last evaluated: 2024-10-03. Review status: criteria provided, single submitter. Criteria: Natera Variant Classification Schema (03/2026). Collection method: clinical testing. Allele origin: germline.
Comment: The c.125C>A variant in MESP2 is a nonsense variant predicted to introduce a stop codon at amino acid 42. This variant is expected to result in nonsense mediated decay, truncation, or a dysfunctional protein product. This variant is rare in the general population with a frequency below the threshold expected for the associated phenotype(s). Given the available evidence, this variant is classified as Likely Pathogenic.

Labcorp Genetics (formerly Invitae), Labcorp
Classification: Pathogenic. Last evaluated: 2023-09-10. Review status: criteria provided, single submitter. Criteria: Invitae Variant Classification Sherloc (09022015). Collection method: clinical testing. Allele origin: germline.
Comment: This sequence change creates a premature translational stop signal (p.Ser42*) in the MESP2 gene. It is expected to result in an absent or disrupted protein product. Loss-of-function variants in MESP2 are known to be pathogenic (PMID: 9242490, 18485326). This variant is not present in population databases (gnomAD no frequency). This variant has not been reported in the literature in individuals affected with MESP2-related conditions. For these reasons, this variant has been classified as Pathogenic.

Literature cited by the submitters: PubMed 9242490 (cited by Labcorp Genetics (formerly Invitae), Labcorp); PubMed 18485326 (cited by Labcorp Genetics (formerly Invitae), Labcorp).